The following is an entry in ClinVar:

NM_002335.4(LRP5):c.3194_3195del (p.Asp1065fs)

Gene: LRP5 (LDL receptor related protein 5; plus strand). Cytogenetic location: 11q13.2.
Variant type: Deletion.
Coding change: c.3194_3195del on transcript NM_002335.4 (MANE Select); coding-DNA positions 3194 to 3195, 2 bases deleted (AC; older notation c.3194_3195delAC).
Protein change: p.Asp1065fs; shifts the reading frame from aspartic acid 1065.
Molecular consequence: frameshift variant.
Genome position (GRCh38, 1-based): chr11:68,423,655-68,423,656, AC deleted. VCF-style (leftmost placement, unchanged base first): chr11-68423654-GAC-G. GRCh37 (hg19) VCF-style: chr11-68191122-GAC-G.
Other names: c.1451_1452del, p.Asp484fs (NM_001291902.2); short protein forms D1065fs, D484fs.
Identifiers: ClinVar variation 4734139 (VCV004734139.1).

ClinVar aggregate classification (germline): Pathogenic (1 of 4 stars; one submission).

Submission:

Labcorp Genetics (formerly Invitae), Labcorp
Classification: Pathogenic. Last evaluated: 2025-12-24. Review status: criteria provided, single submitter. Criteria: Invitae Variant Classification Sherloc (09022015). Collection method: clinical testing. Allele origin: germline.
Comment: This sequence change creates a premature translational stop signal (p.Asp1065Alafs*72) in the LRP5 gene. It is expected to result in an absent or disrupted protein product. Loss-of-function variants in LRP5 are known to be pathogenic (PMID: 11719191, 16252235, 25711638). This variant is not present in population databases (gnomAD no frequency). This variant has not been reported in the literature in individuals affected with LRP5-related conditions. For these reasons, this variant has been classified as Pathogenic.

Literature cited by the submitters: PubMed 11719191; PubMed 16252235; PubMed 25711638.